The following is an entry in ClinVar:

NM_004656.4(BAP1):c.1135G>A (p.Ala379Thr)

Gene: BAP1 (BRCA1 associated deubiquitinase 1; minus strand). Cytogenetic location: 3p21.1.
Variant type: single nucleotide variant.
Coding change: c.1135G>A on transcript NM_004656.4 (MANE Select); coding-DNA position 1135, G replaced by A.
Protein change: p.Ala379Thr; replaces alanine 379 with threonine.
Molecular consequence: missense variant.
Genome position (GRCh38, 1-based): chr3:52,404,568, C>T on the plus strand (G>A on the coding strand, the complement: BAP1 is on the minus strand). VCF-style: chr3-52404568-C-T. GRCh37 (hg19) VCF-style: chr3-52438584-C-T.
Other names: c.1081G>A, p.Ala361Thr (NM_001410772.1); short protein forms A361T, A379T.
Identifiers: ClinVar variation 2497601 (VCV002497601.6), dbSNP rs1250631265, ClinGen allele CA353103389.

ClinVar aggregate classification (germline): Uncertain significance. Review status: criteria provided, multiple submitters, no conflicts (2 of 4 stars). 3 submissions from 3 submitters: Uncertain significance (3). Last evaluated 2023-05-14.

Conditions:
Hereditary cancer-predisposing syndrome. Also called: Neoplastic Syndromes, Hereditary; Hereditary neoplastic syndrome; Tumor predisposition; Hereditary Cancer Syndrome. Identifiers: Orphanet 140162, MedGen C0027672, MeSH D009386, MONDO:0015356.
BAP1-related tumor predisposition syndrome (TPDS1). Also called: BAP1 tumor predisposition syndrome; TUMOR PREDISPOSITION SYNDROME 1; Tumor susceptibility linked to germline BAP1 mutations; COMMON Syndrome. Identifiers: Orphanet 289539, MedGen C3280492, MONDO:0013692, OMIM 614327.

gnomAD v4.1: 1 of 1,613,744 alleles (0.000062%); highest among the groups gnomAD compares: Non-Finnish European, 0.000085%; no homozygotes.

Submissions (3):

Baylor Genetics
Classification: Uncertain significance for BAP1-related tumor predisposition syndrome. Last evaluated: 2023-05-14. Review status: criteria provided, single submitter. Criteria: ACMG Guidelines, 2015. Collection method: clinical testing. Allele origin: unknown.

Labcorp Genetics (formerly Invitae), Labcorp
Classification: Uncertain significance for BAP1-related tumor predisposition syndrome. Last evaluated: 2023-01-17. Review status: criteria provided, single submitter. Criteria: Invitae Variant Classification Sherloc (09022015). Collection method: clinical testing. Allele origin: germline.
Comment: In summary, the available evidence is currently insufficient to determine the role of this variant in disease. Therefore, it has been classified as a Variant of Uncertain Significance. Advanced modeling of protein sequence and biophysical properties (such as structural, functional, and spatial information, amino acid conservation, physicochemical variation, residue mobility, and thermodynamic stability) performed at Invitae indicates that this missense variant is not expected to disrupt BAP1 protein function. This variant has not been reported in the literature in individuals affected with BAP1-related conditions. This variant is not present in population databases (gnomAD no frequency). This sequence change replaces alanine, which is neutral and non-polar, with threonine, which is neutral and polar, at codon 379 of the BAP1 protein (p.Ala379Thr).

Ambry Genetics
Classification: Uncertain significance for Hereditary cancer-predisposing syndrome. Last evaluated: 2022-11-04. Review status: criteria provided, single submitter. Criteria: Ambry Variant Classification Scheme 2023. Collection method: clinical testing. Allele origin: germline.
Comment: The p.A379T variant (also known as c.1135G>A), located in coding exon 12 of the BAP1 gene, results from a G to A substitution at nucleotide position 1135. The alanine at codon 379 is replaced by threonine, an amino acid with similar properties. This amino acid position is highly conserved in available vertebrate species. In addition, this alteration is predicted to be tolerated by in silico analysis. Since supporting evidence is limited at this time, the clinical significance of this alteration remains unclear.